The following is an entry in ClinVar:

NM_002755.4(MAP2K1):c.646A>G (p.Ile216Val)

Gene: MAP2K1 (mitogen-activated protein kinase kinase 1; plus strand). Cytogenetic location: 15q22.31.
Variant type: single nucleotide variant.
Coding change: c.646A>G on transcript NM_002755.4 (MANE Select); coding-DNA position 646, A replaced by G.
Protein change: p.Ile216Val; replaces isoleucine 216 with valine.
Molecular consequence: missense variant.
Genome position (GRCh38, 1-based): chr15:66,481,832, A>G. VCF-style: chr15-66481832-A-G. GRCh37 (hg19) VCF-style: chr15-66774170-A-G.
Other names: c.502A>G, p.Ile168Val (NM_001411065.1); short protein forms I168V, I216V.
Identifiers: ClinVar variation 3237379 (VCV003237379.1), dbSNP rs2140667942.
Genomic context (GRCh38, chr15:66,481,832, plus strand): 5'-ATCCTAGTCAACTCCCGTGGGGAGATCAAGCTCTGTGACTTTGGGGTCAGCGGGCAGCTC[A>G]TCGACTCCATGGCCAACTCCTTCGTGGGCACAAGGTCCTACATGTCGGTATGAACAGAAG-3'
Protein context (NP_002746.1, residues 206-226): LCDFGVSGQL[Ile216Val]DSMANSFVGT

ClinVar aggregate classification (germline): Uncertain significance (1 of 4 stars; one submission).

Conditions:
Cardiofaciocutaneous syndrome 3 (CFC3). Also called: MAP2K1-Related Cardiofaciocutaneous Syndrome. Identifiers: Orphanet 1340, MedGen C3809006, MONDO:0014113, OMIM 615279.

Submission:

Clinical Genomics Laboratory, Washington University in St. Louis
Classification: Uncertain significance for Cardiofaciocutaneous syndrome 3. Last evaluated: 2024-02-09. Review status: criteria provided, single submitter. Criteria: ACMG Guidelines, 2015. Collection method: clinical testing. Allele origin: germline.
Comment: The MAP2K1 c.646A>G (p.Ile216Val) variant was identified at a near heterozygous allelic fraction of 50%, a frequency which may be consistent with it being of germline origin. To our knowledge, this variant has not been reported in the medical literature and is absent from the general population (gnomAD v.4.0.0), indicating it is not a common variant. The MAP2K1 gene is defined by the ClinGen RASopathy expert panel as a gene that has a low rate of benign missense variation and where pathogenic missense variants are a common mechanism of disease (Gelb BD, et al., PMID: 29493581). Computational predictors are uncertain as to the impact of this variant on MAP2K1 function. Due to limited information and based on ACMG/AMP guidelines for variant interpretation (Richards S et al., PMID: 25741868) and gene-specific practices from the ClinGen Criteria Specification Registry, the clinical significance of this variant is uncertain at this time.